The following is an entry in ClinVar:

NM_001371623.1(TCOF1):c.3398T>G (p.Val1133Gly)

Gene: TCOF1 (treacle ribosome biogenesis factor 1; plus strand). Cytogenetic location: 5q32.
Variant type: single nucleotide variant.
Coding change: c.3398T>G on transcript NM_001371623.1 (MANE Select); coding-DNA position 3398, T replaced by G.
Protein change: p.Val1133Gly; replaces valine 1133 with glycine.
Molecular consequence: missense variant.
Genome position (GRCh38, 1-based): chr5:150,392,057, T>G. VCF-style: chr5-150392057-T-G. GRCh37 (hg19) VCF-style: chr5-149771620-T-G.
Other names: c.3167T>G, p.Val1056Gly (NM_000356.4, NM_001135245.2); c.3398T>G, p.Val1133Gly (NM_001135243.2); c.3284T>G, p.Val1095Gly (NM_001135244.2, NM_001195141.2); short protein forms V1133G, V1056G, V1095G.
Identifiers: ClinVar variation 2598788 (VCV002598788.3), dbSNP rs536509445, ClinGen allele CA129106039.

ClinVar aggregate classification (germline): Conflicting classifications of pathogenicity. Review status: criteria provided, conflicting classifications (1 of 4 stars). 2 submissions from 2 submitters: Uncertain significance (1); Likely benign (1). Last evaluated 2025-07-23.

Conditions:
Inborn genetic diseases. Identifiers: MedGen C0950123, MeSH D030342.
Treacher Collins syndrome 1 (TCS1). Also called: TCOF1-Related Treacher Collins Syndrome. Identifiers: Orphanet 861, MedGen CN315775, MONDO:0007944, OMIM 154500.

Allele frequency attached by ClinVar (database versions not stated): gnomAD exomes below 0.00001; gnomAD 0.00002; TOPMed 0.00003.
gnomAD v4.1: 5 of 1,614,010 alleles (0.00031%); highest among the groups gnomAD compares: African/African-American, 0.0067%; no homozygotes.

Submissions (2):

Labcorp Genetics (formerly Invitae), Labcorp
Classification: Uncertain significance for Treacher Collins syndrome 1. Last evaluated: 2025-07-23. Review status: criteria provided, single submitter. Criteria: Invitae Variant Classification Sherloc (09022015). Collection method: clinical testing. Allele origin: germline.
Comment: This sequence change replaces valine, which is neutral and non-polar, with glycine, which is neutral and non-polar, at codon 1133 of the TCOF1 protein (p.Val1133Gly). This variant is present in population databases (rs536509445, gnomAD 0.02%). This variant has not been reported in the literature in individuals affected with TCOF1-related conditions. ClinVar contains an entry for this variant (Variation ID: 2598788). An algorithm developed to predict the effect of missense changes on protein structure and function outputs the following: PolyPhen-2: "Benign". The glycine amino acid residue is found in multiple mammalian species, which suggests that this missense change does not adversely affect protein function. In summary, the available evidence is currently insufficient to determine the role of this variant in disease. Therefore, it has been classified as a Variant of Uncertain Significance.

Ambry Genetics
Classification: Likely benign for Inborn genetic diseases. Last evaluated: 2023-06-16. Review status: criteria provided, single submitter. Criteria: Ambry Variant Classification Scheme 2023. Collection method: clinical testing. Allele origin: germline.